The following is an entry in ClinVar:

NM_000214.3(JAG1):c.1344C>T (p.Asp448=)

Gene: JAG1 (jagged canonical Notch ligand 1; minus strand). Cytogenetic location: 20p12.2.
Variant type: single nucleotide variant.
Coding change: c.1344C>T on transcript NM_000214.3 (MANE Select); coding-DNA position 1344, C replaced by T.
Protein change: p.Asp448=; no amino-acid change (aspartic acid 448 retained).
Molecular consequence: synonymous variant.
Genome position (GRCh38, 1-based): chr20:10,649,526, G>A on the plus strand (C>T on the coding strand, the complement: JAG1 is on the minus strand). VCF-style: chr20-10649526-G-A. GRCh37 (hg19) VCF-style: chr20-10630174-G-A.
Other names: c.1344C>T, p.Asp448= (LRG_1191t1).
Identifiers: ClinVar variation 337756 (VCV000337756.42), dbSNP rs754081766, ClinGen allele CA9764914.

ClinVar aggregate classification (germline): Likely benign. Review status: criteria provided, multiple submitters, no conflicts (2 of 4 stars). 7 submissions from 7 submitters: Likely benign (7). Last evaluated 2026-03-12.

Conditions:
Deafness, congenital heart defects, and posterior embryotoxon (DCHE). Identifiers: MedGen C1866053, MONDO:0060713, OMIM 617992.
Charcot-Marie-Tooth disease, axonal, Type 2HH. Also called: CHARCOT-MARIE-TOOTH NEUROPATHY, TYPE 2HH. Identifiers: MedGen C5562003, MONDO:0030458, OMIM 619574.
Tetralogy of Fallot (TOF). Identifiers: Orphanet 3303, MedGen C0039685, MONDO:0008542, OMIM 187500, HP:0001636.
Alagille syndrome due to a JAG1 point mutation. Also called: HEPATIC DUCTULAR HYPOPLASIA, SYNDROMATIC; JAG1-Related Alagille Syndrome; Alagille Syndrome 1. Identifiers: Orphanet 261619, Orphanet 52, MedGen C1956125, MONDO:0016862, OMIM 118450.
Isolated Nonsyndromic Congenital Heart Disease.
Cardiovascular phenotype. Identifiers: MedGen CN230736.
JAG1-related disorder. Also called: JAG1-related condition; JAG1-related disorders.

Allele frequency attached by ClinVar (database versions not stated): ExAC 0.00003; gnomAD exomes 0.00005; gnomAD 0.00007; TOPMed 0.00008.
gnomAD v4.1: 122 of 1,591,142 alleles (0.0077%); highest among the groups gnomAD compares: Non-Finnish European, 0.0099%; no homozygotes.

Submissions (7):

PreventionGenetics, part of Exact Sciences
Classification: Likely benign for JAG1-related condition. Last evaluated: 2026-03-12. Review status: criteria provided, single submitter. Criteria: ACMG Guidelines, 2015. Collection method: clinical testing. Allele origin: germline.
Comment: This variant is classified as likely benign based on ACMG/AMP sequence variant interpretation guidelines (Richards et al. 2015 PMID: 25741868, with internal and published modifications).

Labcorp Genetics (formerly Invitae), Labcorp
Classification: Likely benign for Alagille syndrome due to a JAG1 point mutation. Last evaluated: 2025-12-01. Review status: criteria provided, single submitter. Criteria: Invitae Variant Classification Sherloc (09022015). Collection method: clinical testing. Allele origin: germline.

Blueprint Genetics
Classification: Likely benign. Last evaluated: 2024-11-19. Review status: criteria provided, single submitter. Criteria: ACMG Guidelines, 2015. Collection method: clinical testing. Allele origin: germline.

CeGaT Center for Human Genetics Tuebingen
Classification: Likely benign. Last evaluated: 2023-07-01. Review status: criteria provided, single submitter. Criteria: CeGaT Center For Human Genetics Tuebingen Variant Classification Criteria Version 2. Collection method: clinical testing. Allele origin: germline. Affected: yes. Observed: 1 variant allele.
Comment: JAG1: BP4, BP7

Ambry Genetics
Classification: Likely benign for Cardiovascular phenotype. Last evaluated: 2022-09-12. Review status: criteria provided, single submitter. Criteria: Ambry Variant Classification Scheme 2023. Collection method: clinical testing. Allele origin: germline.

Fulgent Genetics
Classification: Likely benign for Alagille syndrome due to a JAG1 point mutation; Tetralogy of Fallot; Deafness, congenital heart defects, and posterior embryotoxon; Charcot-Marie-Tooth disease, axonal, Type 2HH. Last evaluated: 2021-12-14. Review status: criteria provided, single submitter. Criteria: ACMG Guidelines, 2015. Collection method: clinical testing. Allele origin: unknown.

Illumina Laboratory Services, Illumina
Classification: Likely benign for Isolated Nonsyndromic Congenital Heart Disease. Last evaluated: 2018-01-13. Review status: criteria provided, single submitter. Criteria: ICSL Variant Classification Criteria 13 December 2019. Collection method: clinical testing. Allele origin: germline.
Comment: This variant was observed in the ICSL laboratory as part of a predisposition screen in an ostensibly healthy population. It had not been previously curated by ICSL or reported in the Human Gene Mutation Database (HGMD: prior to June 1st, 2018), and was therefore a candidate for classification through an automated scoring system. Utilizing variant allele frequency, disease prevalence and penetrance estimates, and inheritance mode, an automated score was calculated to assess if this variant is too frequent to cause the disease. Based on the score and internal cut-off values, a variant classified as likely benign is not then subjected to further curation. The score for this variant resulted in a classification of likely benign for this disease.